The following is an entry in ClinVar:

NM_138694.4(PKHD1):c.9500T>C (p.Ile3167Thr)

Gene: PKHD1 (PKHD1 ciliary IPT domain containing fibrocystin/polyductin; minus strand). Cytogenetic location: 6p12.3.
Variant type: single nucleotide variant.
Coding change: c.9500T>C on transcript NM_138694.4 (MANE Select); coding-DNA position 9500, T replaced by C.
Protein change: p.Ile3167Thr; replaces isoleucine 3167 with threonine.
Molecular consequence: missense variant.
Genome position (GRCh38, 1-based): chr6:51,748,116, A>G on the plus strand (T>C on the coding strand, the complement: PKHD1 is on the minus strand). VCF-style: chr6-51748116-A-G. GRCh37 (hg19) VCF-style: chr6-51612914-A-G.
Other names: c.9500T>C, p.Ile3167Thr (NM_170724.3); short protein forms I3167T.
Identifiers: ClinVar variation 5003330 (VCV005003330.1).

ClinVar aggregate classification (germline): Uncertain significance (1 of 4 stars; one submission).

Conditions:
Polycystic kidney disease 4 (PKD4). Also called: POLYCYSTIC KIDNEY AND HEPATIC DISEASE 1; POLYCYSTIC KIDNEY DISEASE, INFANTILE, TYPE I; PKD3; Autosomal Recessive Polycystic Kidney Disease – PKHD1; POLYCYSTIC KIDNEY DISEASE 4 WITH OR WITHOUT POLYCYSTIC LIVER DISEASE. Identifiers: MedGen C4540575, MONDO:0033004, OMIM 263200.

gnomAD v4.1: 11 of 1,613,932 alleles (0.00068%); highest among the groups gnomAD compares: Non-Finnish European, 0.00093%; no homozygotes.

Submission:

Myriad Genetics, Inc.
Classification: Uncertain significance for Polycystic kidney disease 4. Last evaluated: 2026-01-22. Review status: criteria provided, single submitter. Criteria: Myriad Autosomal Dominant, Autosomal Recessive and X-Linked Classification Criteria (2023). Collection method: clinical testing. Allele origin: unknown.
Comment: NM_138694.3(PKHD1):c.9500T>C(I3167T) is a missense variant classified as a variant of uncertain significance in the context of autosomal recessive polycystic kidney disease, PKHD1-related. I3167T has been observed in a case with relevant disease (PMID: 27225849). Relevant functional assessments of this variant are not available in the literature. I3167T has been observed in referenced population frequency databases. In summary, there is insufficient evidence to classify NM_138694.3(PKHD1):c.9500T>C(I3167T) as pathogenic or benign. Please note: this variant was assessed in the context of healthy population screening.

Literature cited by the submitters: PubMed 27225849.